The following is an entry in ClinVar:

ClinVar aggregate classification (germline): Uncertain significance (1 of 4 stars; one submission).

Submission:

Women's Health and Genetics/Laboratory Corporation of America, LabCorp
Classification: Uncertain significance. Last evaluated: 2025-04-10. Review status: criteria provided, single submitter. Criteria: LabCorp Variant Classification Summary - May 2015. Collection method: clinical testing. Allele origin: germline.
Comment: Variant summary: USH2A c.2144G>A (p.Cys715Tyr) results in a non-conservative amino acid change located in the Laminin-type EGF-like (LE) domain (IPR002049) of the encoded protein sequence. Five of five in-silico tools predict a damaging effect of the variant on protein function. The variant was absent in 250946 control chromosomes. The available data on variant occurrences in the general population are insufficient to allow any conclusion about variant significance. c.2144G>A has been observed in one individual affected with retinitis pigmentosa (Huang_2018). These data do not allow any conclusion about variant significance. To our knowledge, no experimental evidence demonstrating an impact on protein function has been reported. The following publication has been ascertained in the context of this evaluation (PMID: 29641573). No submitters have cited clinical-significance assessments for this variant to ClinVar. Based on the evidence outlined above, the variant was classified as uncertain significance.

Literature cited by the submitters: PubMed 29641573.

NM_206933.4(USH2A):c.2144G>A (p.Cys715Tyr)

Gene: USH2A (usherin; minus strand). Cytogenetic location: 1q41.
Variant type: single nucleotide variant.
Coding change: c.2144G>A on transcript NM_206933.4 (MANE Select); coding-DNA position 2144, G replaced by A.
Protein change: p.Cys715Tyr; replaces cysteine 715 with tyrosine.
Molecular consequence: missense variant.
Genome position (GRCh38, 1-based): chr1:216,250,926, C>T on the plus strand (G>A on the coding strand, the complement: USH2A is on the minus strand). VCF-style: chr1-216250926-C-T. GRCh37 (hg19) VCF-style: chr1-216424268-C-T.
Other names: c.2144G>A, p.Cys715Tyr (NM_007123.6); short protein forms C715Y.
Identifiers: ClinVar variation 3896341 (VCV003896341.2).